The following is an entry in ClinVar:

ClinVar aggregate classification (germline): Uncertain significance. Review status: criteria provided, multiple submitters, no conflicts (2 of 4 stars). 3 submissions from 3 submitters: Uncertain significance (3). Last evaluated 2025-04-11.

Conditions:
Granulomatous disease, chronic, autosomal recessive, cytochrome b-positive, type 3. Also called: CGD, AUTOSOMAL RECESSIVE CYTOCHROME b-POSITIVE, TYPE III; GRANULOMATOUS DISEASE, CHRONIC, DUE TO NCF4 DEFICIENCY; Granulomatous disease, chronic, autosomal recessive, cytochrome b-positive, type III; GRANULOMATOUS DISEASE, CHRONIC, AUTOSOMAL RECESSIVE, 3. Identifiers: Orphanet 379, MedGen C3151409, MONDO:0013507, OMIM 613960.

Allele frequency attached by ClinVar (database versions not stated): ESP Exome Variant Server 0.00008; ExAC 0.00010; gnomAD exomes 0.00011 and 0.00029; TOPMed 0.00014; gnomAD 0.00016 and 0.00017.
gnomAD v4.1: 438 of 1,613,962 alleles (0.027%); highest among the groups gnomAD compares: Non-Finnish European, 0.035%; no homozygotes.

Submissions (3):

Ambry Genetics
Classification: Uncertain significance. Last evaluated: 2025-04-11. Review status: criteria provided, single submitter. Criteria: Ambry Variant Classification Scheme 2023. Collection method: clinical testing. Allele origin: germline.

Labcorp Genetics (formerly Invitae), Labcorp
Classification: Uncertain significance for Granulomatous disease, chronic, autosomal recessive, cytochrome b-positive, type 3. Last evaluated: 2022-09-19. Review status: criteria provided, single submitter. Criteria: Invitae Variant Classification Sherloc (09022015). Collection method: clinical testing. Allele origin: germline.
Comment: This sequence change replaces alanine, which is neutral and non-polar, with threonine, which is neutral and polar, at codon 264 of the NCF4 protein (p.Ala264Thr). This variant is present in population databases (rs148129899, gnomAD 0.02%). This variant has not been reported in the literature in individuals affected with NCF4-related conditions. ClinVar contains an entry for this variant (Variation ID: 539177). Algorithms developed to predict the effect of missense changes on protein structure and function (SIFT, PolyPhen-2, Align-GVGD) all suggest that this variant is likely to be tolerated. In summary, the available evidence is currently insufficient to determine the role of this variant in disease. Therefore, it has been classified as a Variant of Uncertain Significance.

Mayo Clinic Laboratories, Mayo Clinic
Classification: Uncertain significance. Last evaluated: 2021-07-19. Review status: criteria provided, single submitter. Criteria: ACMG Guidelines, 2015. Collection method: clinical testing. Allele origin: germline.

NM_000631.5(NCF4):c.758+32G>A

Gene: NCF4 (neutrophil cytosolic factor 4; plus strand). Cytogenetic location: 22q12.3.
Variant type: single nucleotide variant.
Coding change: c.758+32G>A on transcript NM_000631.5 (MANE Select); 32 bases into the intron after coding-DNA position 758, G replaced by A.
Molecular consequence: intron variant. On other transcripts: missense variant (1).
Genome position (GRCh38, 1-based): chr22:36,875,815, G>A. VCF-style: chr22-36875815-G-A. GRCh37 (hg19) VCF-style: chr22-37271857-G-A.
Other names: p.Ala264Thr; c.790G>A, p.Ala264Thr (NM_013416.4); short protein forms A264T.
Identifiers: ClinVar variation 539177 (VCV000539177.12), dbSNP rs148129899, ClinGen allele CA10213161.